The following is an entry in ClinVar:

NM_000548.5(TSC2):c.5260-3C>A

Gene: TSC2 (TSC complex subunit 2; plus strand). Cytogenetic location: 16p13.3.
Variant type: single nucleotide variant.
Coding change: c.5260-3C>A on transcript NM_000548.5 (MANE Select); 3 bases into the intron before coding-DNA position 5260, C replaced by A.
Molecular consequence: intron variant.
Genome position (GRCh38, 1-based): chr16:2,088,443, C>A. VCF-style: chr16-2088443-C-A. GRCh37 (hg19) VCF-style: chr16-2138444-C-A.
Other names: c.3718-3C>A (NM_001406693.1, NM_001406692.1, NM_001406694.1); c.5152-3C>A (NM_001406667.1); c.5149-3C>A (NM_001406668.1); c.4660-3C>A (NM_001406680.1); c.4591-3C>A (NM_001406683.1, NM_001406682.1); c.4459-3C>A (NM_001406687.1, NM_001406688.1); c.3847-3C>A (NM_001406689.1); c.3787-3C>A (NM_001406690.1); and 27 more.
Identifiers: ClinVar variation 3701228 (VCV003701228.2).

ClinVar aggregate classification (germline): Uncertain significance (1 of 4 stars; one submission).

Conditions:
Tuberous sclerosis 2 (TSC2). Identifiers: Orphanet 805, MedGen C1860707, MONDO:0013199, OMIM 613254.

Submission:

Labcorp Genetics (formerly Invitae), Labcorp
Classification: Uncertain significance for Tuberous sclerosis 2. Last evaluated: 2024-08-07. Review status: criteria provided, single submitter. Criteria: Invitae Variant Classification Sherloc (09022015). Collection method: clinical testing. Allele origin: germline.
Comment: This sequence change falls in intron 41 of the TSC2 gene. It does not directly change the encoded amino acid sequence of the TSC2 protein. It affects a nucleotide within the consensus splice site. This variant is not present in population databases (gnomAD no frequency). This variant has not been reported in the literature in individuals affected with TSC2-related conditions. Variants that disrupt the consensus splice site are a relatively common cause of aberrant splicing (PMID: 17576681, 9536098). Studies have shown that this variant is associated with inconclusive levels of altered splicing (Invitae). In summary, the available evidence is currently insufficient to determine the role of this variant in disease. Therefore, it has been classified as a Variant of Uncertain Significance.

Literature cited by the submitters: PubMed 17576681; PubMed 9536098.